The following is an entry in ClinVar:

NM_007294.4(BRCA1):c.3532A>G (p.Ser1178Gly)

Genes: BRCA1 (BRCA1 DNA repair associated; minus strand), LOC126862571 (BRD4-independent group 4 enhancer GRCh37_chr17:41243136-41244335; plus strand). Cytogenetic location: 17q21.31.
Variant type: single nucleotide variant.
Coding change: c.3532A>G on transcript NM_007294.4 (MANE Select); coding-DNA position 3532, A replaced by G.
Protein change: p.Ser1178Gly; replaces serine 1178 with glycine.
Molecular consequence: missense variant. On other transcripts: intron variant (135).
Genome position (GRCh38, 1-based): chr17:43,091,999, T>C on the plus strand (A>G on the coding strand, the complement: BRCA1 is on the minus strand). VCF-style: chr17-43091999-T-C. GRCh37 (hg19) VCF-style: chr17-41244016-T-C.
Other names: c.3319A>G, p.Ser1107Gly (NM_001407571.1, NM_001407853.1, NM_001407894.1 and 9 more transcripts); c.3532A>G, p.Ser1178Gly (NM_001407581.1, NM_001407582.1, NM_001407583.1 and 30 more transcripts); c.3529A>G, p.Ser1177Gly (NM_001407587.1, NM_001407590.1, NM_001407591.1 and 22 more transcripts); c.3523A>G, p.Ser1175Gly (NM_001407646.1, NM_001407647.1); c.3409A>G, p.Ser1137Gly (NM_001407648.1, NM_001407664.1, NM_001407665.1 and 19 more transcripts); c.3406A>G, p.Ser1136Gly (NM_001407649.1, NM_001407670.1, NM_001407671.1 and 11 more transcripts); c.3454A>G, p.Ser1152Gly (NM_001407653.1, NM_001407654.1, NM_001407655.1 and 4 more transcripts); c.3451A>G, p.Ser1151Gly (NM_001407659.1, NM_001407660.1, NM_001407661.1 and 1 more transcripts); and 41 more; short protein forms S1178G, S1131G, S1066G, S1089G, S1111G, S1177G, S882G, S1067G.
Identifiers: ClinVar variation 582877 (VCV000582877.13), dbSNP rs1567791298, ClinGen allele CA10594906.

ClinVar aggregate classification (germline): Conflicting classifications of pathogenicity. Review status: criteria provided, conflicting classifications (1 of 4 stars). 3 submissions from 3 submitters: Uncertain significance (2); Likely benign (1). Last evaluated 2023-03-23.

Conditions:
Hereditary breast ovarian cancer syndrome. Also called: Hereditary breast and ovarian cancer syndrome; Hereditary breast and/or ovarian cancer syndrome; Hereditary breast and ovarian cancer syndrome (HBOC); Breast and ovarian cancer; BRCA1- and BRCA2-Associated Hereditary Breast and Ovarian Cancer; Hereditary breast and ovarian cancer. Identifiers: Orphanet 145, MedGen C0677776, MeSH D061325, MONDO:0003582. Disease mechanism: loss of function.
Hereditary cancer-predisposing syndrome. Also called: Neoplastic Syndromes, Hereditary; Hereditary Cancer Syndrome; Tumor predisposition; Hereditary neoplastic syndrome. Identifiers: Orphanet 140162, MedGen C0027672, MeSH D009386, MONDO:0015356.

Submissions (3):

University of Washington Department of Laboratory Medicine, University of Washington
Classification: Likely benign for Hereditary cancer-predisposing syndrome. Last evaluated: 2023-03-23. Review status: criteria provided, single submitter. Criteria: Dines et al. (Genet Med. 2020). Collection method: curation. Allele origin: germline.
Comment: Missense variant in a coldspot region where missense variants are very unlikely to be pathogenic (PMID:31911673).

BRCA1 coldspot (exon 11 using historical exon numbering). Reclassification based on statistical prior probability

Labcorp Genetics (formerly Invitae), Labcorp
Classification: Uncertain significance for Hereditary breast ovarian cancer syndrome. Last evaluated: 2018-02-21. Review status: criteria provided, single submitter. Criteria: Invitae Variant Classification Sherloc (09022015). Collection method: clinical testing. Allele origin: germline.
Comment: In summary, the available evidence is currently insufficient to determine the role of this variant in disease. Therefore, it has been classified as a Variant of Uncertain Significance. Algorithms developed to predict the effect of missense changes on protein structure and function output the following: SIFT: "Tolerated"; PolyPhen-2: "Benign"; Align-GVGD: "Class C0". The glycine amino acid residue is found in multiple mammalian species, suggesting that this missense change does not adversely affect protein function. These predictions have not been confirmed by published functional studies and their clinical significance is uncertain. This variant has been reported in individuals in the Leiden Open-source Variation Database (PMID: 21520333). This variant is not present in population databases (ExAC no frequency). This sequence change replaces serine with glycine at codon 1178 of the BRCA1 protein (p.Ser1178Gly). The serine residue is moderately conserved and there is a small physicochemical difference between serine and glycine.

Quest Diagnostics Nichols Institute San Juan Capistrano
Classification: Uncertain significance. Last evaluated: 2018-01-12. Review status: criteria provided, single submitter. Criteria: Quest Diagnostics criteria. Collection method: clinical testing. Allele origin: germline.

Literature cited by the submitters: PubMed 21520333 (cited by Labcorp Genetics (formerly Invitae), Labcorp).